The following is an entry in ClinVar:

NM_201384.3(PLEC):c.9847A>G (p.Lys3283Glu)

Gene: PLEC (plectin; minus strand). Cytogenetic location: 8q24.3.
Variant type: single nucleotide variant.
Coding change: c.9847A>G on transcript NM_201384.3 (MANE Select); coding-DNA position 9847, A replaced by G.
Protein change: p.Lys3283Glu; replaces lysine 3283 with glutamic acid.
Molecular consequence: missense variant.
Genome position (GRCh38, 1-based): chr8:143,919,974, T>C on the plus strand (A>G on the coding strand, the complement: PLEC is on the minus strand). VCF-style: chr8-143919974-T-C. GRCh37 (hg19) VCF-style: chr8-144994142-T-C.
Other names: c.9928A>G, p.Lys3310Glu (NM_000445.5); c.6547A>G, p.Lys2183Glu (NM_001410941.1); c.9805A>G, p.Lys3269Glu (NM_201378.4); c.9781A>G, p.Lys3261Glu (NM_201379.3); c.10258A>G, p.Lys3420Glu (NM_201380.4); c.9751A>G, p.Lys3251Glu (NM_201381.3); c.9847A>G, p.Lys3283Glu (NM_201382.4); c.9859A>G, p.Lys3287Glu (NM_201383.3); short protein forms K3251E, K3269E, K3261E, K3287E, K3310E, K2183E, K3283E, K3420E.
Identifiers: ClinVar variation 2928391 (VCV002928391.3), dbSNP rs1394011738, ClinGen allele CA372506294.

ClinVar aggregate classification (germline): Uncertain significance (1 of 4 stars; one submission).

Conditions:
Epidermolysis bullosa simplex with nail dystrophy (EBS5D). Identifiers: MedGen C4225309, MONDO:0014661, OMIM 616487.
Epidermolysis bullosa simplex 5B, with muscular dystrophy (EBS5B). Also called: EPIDERMOLYSIS BULLOSA SIMPLEX AND LIMB-GIRDLE MUSCULAR DYSTROPHY; Epidermolysis bullosa simplex with muscular dystrophy. Identifiers: Orphanet 257, MedGen C2931072, MONDO:0009181, OMIM 226670.
Epidermolysis bullosa simplex 5C, with pyloric atresia (EBS5C). Also called: PLEC-Related Epidermolysis Bullosa with Pyloric Atresia; Epidermolysis bullosa simplex with pyloric atresia; PLEC1-Related Epidermolysis Bullosa with Pyloric Atresia. Identifiers: Orphanet 158684, MedGen C2677349, MONDO:0012807, OMIM 612138.
Autosomal recessive limb-girdle muscular dystrophy type 2Q (LGMDR17). Also called: MUSCULAR DYSTROPHY, LIMB-GIRDLE, AUTOSOMAL RECESSIVE 17. Identifiers: Orphanet 254361, MedGen C3150989, MONDO:0013390, OMIM 613723.
Epidermolysis bullosa simplex, Ogna type (EBS5A). Also called: Pidermolysis bullosa simplex 5A, Ogna type; EPIDERMOLYSIS BULLOSA SIMPLEX 5A, OGNA TYPE. Identifiers: Orphanet 79401, MedGen C0432317, MONDO:0007555, OMIM 131950.

Allele frequency attached by ClinVar (database versions not stated): gnomAD 0.00001.
gnomAD v4.1: 1 of 1,613,190 alleles (0.000062%); highest among the groups gnomAD compares: Admixed American, 0.0017%; no homozygotes.

Submission:

Labcorp Genetics (formerly Invitae), Labcorp
Classification: Uncertain significance for Autosomal recessive limb-girdle muscular dystrophy type 2Q; Epidermolysis bullosa simplex, Ogna type; Epidermolysis bullosa simplex with nail dystrophy; Epidermolysis bullosa simplex 5C, with pyloric atresia; Epidermolysis bullosa simplex 5B, with muscular dystrophy. Last evaluated: 2023-12-26. Review status: criteria provided, single submitter. Criteria: Invitae Variant Classification Sherloc (09022015). Collection method: clinical testing. Allele origin: germline.
Comment: This sequence change replaces lysine, which is basic and polar, with glutamic acid, which is acidic and polar, at codon 3310 of the PLEC protein (p.Lys3310Glu). This variant is not present in population databases (gnomAD no frequency). This variant has not been reported in the literature in individuals affected with PLEC-related conditions. An algorithm developed to predict the effect of missense changes on protein structure and function (PolyPhen-2) suggests that this variant is likely to be disruptive. In summary, the available evidence is currently insufficient to determine the role of this variant in disease. Therefore, it has been classified as a Variant of Uncertain Significance.